The following is an entry in ClinVar:

NM_002972.4(SBF1):c.3958G>A (p.Val1320Met)

Gene: SBF1 (SET binding factor 1; minus strand). Cytogenetic location: 22q13.33.
Variant type: single nucleotide variant.
Coding change: c.3958G>A on transcript NM_002972.4 (MANE Select); coding-DNA position 3958, G replaced by A.
Protein change: p.Val1320Met; replaces valine 1320 with methionine.
Molecular consequence: missense variant.
Genome position (GRCh38, 1-based): chr22:50,456,620, C>T on the plus strand (G>A on the coding strand, the complement: SBF1 is on the minus strand). VCF-style: chr22-50456620-C-T. GRCh37 (hg19) VCF-style: chr22-50895049-C-T.
Other names: c.3958G>A (NM_002972.2, NM_002972.3); c.3883G>A, p.Val1295Met (NM_001365819.1); short protein forms V1320M, V1295M.
Identifiers: ClinVar variation 1388117 (VCV001388117.12), dbSNP rs776689151, ClinGen allele CA10316460.
Genomic context (GRCh38, chr22:50,456,620, plus strand): 5'-GAGGGCCCCCGTTGGCCTGGGGTGGGGCCAGCGCGTCTCTGCCAGCTAGCCGGGAGCCCA[C>T]ATCGGTGCCAAGGCCACTGCTGCGTCCACTGGTCCGGACACTGCCCCACTTACCTGTGAA-3'
Protein context (NP_002963.2, residues 1310-1330): SGRSSGLGTD[Val1320Met]GSRLAGRDAL

ClinVar aggregate classification (germline): Conflicting classifications of pathogenicity. Review status: criteria provided, conflicting classifications (1 of 4 stars). 4 submissions from 4 submitters: Uncertain significance (3); Benign (1). Last evaluated 2024-10-23.

Conditions:
Tip-toe gait. Also called: Toe walking. Identifiers: MedGen C0427144, HP:0030051.

Allele frequency attached by ClinVar (database versions not stated): gnomAD exomes 0.00002; gnomAD 0.00005 and 0.00006; TOPMed 0.00006.

Submissions (4):

Blueprint Genetics
Classification: Uncertain significance. Last evaluated: 2024-10-23. Review status: criteria provided, single submitter. Criteria: ACMG Guidelines, 2015. Collection method: clinical testing. Allele origin: germline.

Ambry Genetics
Classification: Uncertain significance. Last evaluated: 2024-07-10. Review status: criteria provided, single submitter. Criteria: Ambry Variant Classification Scheme 2023. Collection method: clinical testing. Allele origin: germline.

Practice for Gait Abnormalities, David Pomarino, Competency Network Toe Walking C/o Practice Pomarino
Classification: Benign for Tip-toe gait. Last evaluated: 2024-07-10. Review status: criteria provided, single submitter. Criteria: Pomarino et al. (Glob Med Genet. 2026). Collection method: clinical testing. Allele origin: germline. Affected: yes.

Labcorp Genetics (formerly Invitae), Labcorp
Classification: Uncertain significance. Last evaluated: 2023-12-04. Review status: criteria provided, single submitter. Criteria: Invitae Variant Classification Sherloc (09022015). Collection method: clinical testing. Allele origin: germline.
Comment: This sequence change replaces valine, which is neutral and non-polar, with methionine, which is neutral and non-polar, at codon 1320 of the SBF1 protein (p.Val1320Met). This variant is present in population databases (rs776689151, gnomAD 0.005%). This variant has not been reported in the literature in individuals affected with SBF1-related conditions. ClinVar contains an entry for this variant (Variation ID: 1388117). Advanced modeling of protein sequence and biophysical properties (such as structural, functional, and spatial information, amino acid conservation, physicochemical variation, residue mobility, and thermodynamic stability) has been performed at Invitae for this missense variant, however the output from this modeling did not meet the statistical confidence thresholds required to predict the impact of this variant on SBF1 protein function. In summary, the available evidence is currently insufficient to determine the role of this variant in disease. Therefore, it has been classified as a Variant of Uncertain Significance.